The following is an entry in ClinVar:

NM_033116.6(NEK9):c.2357G>A (p.Arg786Gln)

Gene: NEK9 (NIMA related kinase 9; minus strand). Cytogenetic location: 14q24.3.
Variant type: single nucleotide variant.
Coding change: c.2357G>A on transcript NM_033116.6 (MANE Select); coding-DNA position 2357, G replaced by A.
Protein change: p.Arg786Gln; replaces arginine 786 with glutamine.
Molecular consequence: missense variant.
Genome position (GRCh38, 1-based): chr14:75,091,355, C>T on the plus strand (G>A on the coding strand, the complement: NEK9 is on the minus strand). VCF-style: chr14-75091355-C-T. GRCh37 (hg19) VCF-style: chr14-75558058-C-T.
Other names: c.2393G>A, p.Arg798Gln (NM_001329237.2); c.2003G>A, p.Arg668Gln (NM_001329238.2); c.2357G>A (NM_033116.5); short protein forms R668Q, R798Q, R786Q.
Identifiers: ClinVar variation 717455 (VCV000717455.26), dbSNP rs114347531, ClinGen allele CA7276683.

ClinVar aggregate classification (germline): Benign/Likely benign. Review status: criteria provided, multiple submitters, no conflicts (2 of 4 stars). 4 submissions from 4 submitters: Benign (2); Likely benign (2). Last evaluated 2026-04-01.

Conditions:
NEK9-related disorder. Also called: NEK9-related condition.

Allele frequency attached by ClinVar (database versions not stated): 1000 Genomes Project 0.00260; gnomAD 0.00314 and 0.00337; 1000 Genomes Project 30x 0.00328; ESP Exome Variant Server 0.00354; TOPMed 0.00368.
gnomAD v4.1: 1,208 of 1,614,118 alleles (0.075%); highest among the groups gnomAD compares: African/African-American, 1.1%; 2 homozygotes.

Submissions (4):

CeGaT Center for Human Genetics Tuebingen
Classification: Likely benign. Last evaluated: 2026-04-01. Review status: criteria provided, single submitter. Criteria: CeGaT Center For Human Genetics Tuebingen Variant Classification Criteria Version 2. Collection method: clinical testing. Allele origin: germline. Affected: yes. Observed: 2 variant alleles.
Comment: NEK9: BP4, BS1

PreventionGenetics, part of Exact Sciences
Classification: Likely benign for NEK9-related condition. Last evaluated: 2025-01-03. Review status: criteria provided, single submitter. Criteria: ACMG Guidelines, 2015. Collection method: clinical testing. Allele origin: germline.
Comment: This variant is classified as likely benign based on ACMG/AMP sequence variant interpretation guidelines (Richards et al. 2015 PMID: 25741868, with internal and published modifications).

Labcorp Genetics (formerly Invitae), Labcorp
Classification: Benign. Last evaluated: 2019-12-31. Review status: criteria provided, single submitter. Criteria: Invitae Variant Classification Sherloc (09022015). Collection method: clinical testing. Allele origin: germline.

Breakthrough Genomics
Classification: Benign. Review status: criteria provided, single submitter. Criteria: ACMG Guidelines, 2015. Collection method: not provided. Allele origin: germline. Inheritance: Autosomal recessive inheritance. Affected: yes.